The following is an entry in ClinVar:

ClinVar aggregate classification (germline): Uncertain significance. Review status: criteria provided, single submitter (1 of 4 stars). 2 submissions from 2 submitters: Uncertain significance (1). 1 of the submissions does not count toward it. Last evaluated 2025-07-31.

Conditions:
PHF3-related disorder. Also called: PHF3-related condition.

Allele frequency attached by ClinVar (database versions not stated): gnomAD 0.00036; ExAC 0.00048; 1000 Genomes Project 0.00220; 1000 Genomes Project 30x 0.00265.
gnomAD v4.1: 304 of 1,613,772 alleles (0.019%); highest among the groups gnomAD compares: East Asian, 0.21%; no homozygotes.

Submissions (2):

Ambry Genetics
Classification: Uncertain significance. Last evaluated: 2025-07-31. Review status: criteria provided, single submitter. Criteria: Ambry Variant Classification Scheme 2023. Collection method: clinical testing. Allele origin: germline.

PreventionGenetics, part of Exact Sciences
Classification: Likely benign for PHF3-related condition. Last evaluated: 2023-01-03. Review status: no assertion criteria provided. Collection method: clinical testing. Allele origin: germline. Not counted in ClinVar's aggregate classification.
Comment: This variant is classified as likely benign based on ACMG/AMP sequence variant interpretation guidelines (Richards et al. 2015 PMID: 25741868, with internal and published modifications).

NM_001370348.2(PHF3):c.4455G>C (p.Gln1485His)

Gene: PHF3 (PHD finger protein 3; plus strand). Cytogenetic location: 6q12.
Variant type: single nucleotide variant.
Coding change: c.4455G>C on transcript NM_001370348.2 (MANE Select); coding-DNA position 4455, G replaced by C.
Protein change: p.Gln1485His; replaces glutamine 1485 with histidine.
Molecular consequence: missense variant.
Genome position (GRCh38, 1-based): chr6:63,712,043, G>C. VCF-style: chr6-63712043-G-C. GRCh37 (hg19) VCF-style: chr6-64421939-G-C.
Other names: c.4455G>C (NM_015153.2); c.4191G>C, p.Gln1397His (NM_001290259.2, NM_001370349.2); c.2262G>C, p.Gln754His (NM_001370350.2); c.4455G>C, p.Gln1485His (NM_015153.4); short protein forms Q1397H, Q1485H, Q754H.
Identifiers: ClinVar variation 3040925 (VCV003040925.3), dbSNP rs80099131, ClinGen allele CA3876362.